The following is an entry in ClinVar:

ClinVar aggregate classification (germline): Benign (0 of 4 stars; one submission).

Conditions:
MUC16-related disorder. Also called: MUC16-related condition.

Allele frequency attached by ClinVar (database versions not stated): gnomAD exomes 0.00091; ExAC 0.00222; gnomAD 0.00738; 1000 Genomes Project 0.00779; 1000 Genomes Project 30x 0.00796; TOPMed 0.00831; ESP Exome Variant Server 0.00844.

Submission:

PreventionGenetics, part of Exact Sciences
Classification: Benign for MUC16-related condition. Last evaluated: 2019-06-27. Review status: no assertion criteria provided. Collection method: clinical testing. Allele origin: germline.
Comment: This variant is classified as benign based on ACMG/AMP sequence variant interpretation guidelines (Richards et al. 2015 PMID: 25741868, with internal and published modifications).

NM_001401501.2(MUC16):c.39652G>A (p.Val13218Ile)

Gene: MUC16 (mucin 16, cell surface associated; minus strand). Cytogenetic location: 19p13.2.
Variant type: single nucleotide variant.
Coding change: c.39652G>A on transcript NM_001401501.2 (MANE Select); coding-DNA position 39652, G replaced by A.
Protein change: p.Val13218Ile; replaces valine 13218 with isoleucine.
Molecular consequence: missense variant.
Genome position (GRCh38, 1-based): chr19:8,896,826, C>T on the plus strand (G>A on the coding strand, the complement: MUC16 is on the minus strand). VCF-style: chr19-8896826-C-T. GRCh37 (hg19) VCF-style: chr19-9007502-C-T.
Other names: c.40078G>A, p.Val13360Ile (NM_001414686.1); c.39532G>A, p.Val13178Ile (NM_001414687.1); c.39466G>A, p.Val13156Ile (NM_024690.2); short protein forms V13156I, V13178I, V13218I, V13360I.
Identifiers: ClinVar variation 3037776 (VCV003037776.2), dbSNP rs142323715, ClinGen allele CA9164018.